The following is an entry in ClinVar:

ClinVar aggregate classification (germline): Conflicting classifications of pathogenicity. Review status: criteria provided, conflicting classifications (1 of 4 stars). 13 submissions from 13 submitters: Pathogenic (2); Likely pathogenic (4); Uncertain significance (4); Benign (1). 2 of the submissions do not count toward it. Last evaluated 2026-09-03.

Conditions:
DNAI1-related disorder. Also called: DNAI1-related condition.
Primary ciliary dyskinesia. Also called: Ciliary dyskinesia. Identifiers: Orphanet 244, MedGen C0008780, MONDO:0016575, HP:0012265.
Kartagener syndrome (CILD1). Also called: CILIARY DYSKINESIA, PRIMARY, 1; IMMOTILE CILIA SYNDROME; POLYNESIAN BRONCHIECTASIS; SIEWERT SYNDROME; CILIARY DYSKINESIA, PRIMARY, 1, WITH OR WITHOUT SITUS INVERSUS; Dextrocardia bronchiectasis and sinusitis. Identifiers: Orphanet 244, MedGen C4551906, MONDO:0009484, OMIM 244400.

Allele frequency attached by ClinVar (database versions not stated): ExAC 0.00045; TOPMed 0.00045; gnomAD 0.00046 and 0.00044; 1000 Genomes Project 30x 0.00062; ESP Exome Variant Server 0.00015; gnomAD exomes 0.00032 and 0.00041; 1000 Genomes Project 0.00040.
gnomAD v4.1: 557 of 1,614,054 alleles (0.035%); highest among the groups gnomAD compares: Admixed American, 0.07%; no homozygotes.

Submissions (13):

GeneDx
Classification: Likely pathogenic. Last evaluated: 2026-09-03. Review status: criteria provided, single submitter. Criteria: GeneDx Variant Classification Process June 2021. Collection method: clinical testing. Allele origin: germline.
Comment: Observed in a patient with severe bronchiectasis; however, no second variant in this gene was identified (PMID: 35728977); Canonical splice site variant predicted to result in a null allele in a gene for which loss of function is a known mechanism of disease; This variant is associated with the following publications: (PMID: 34426522, 31589614, 28152038, 35728977, 33032373)

PreventionGenetics, part of Exact Sciences
Classification: Uncertain significance for DNAI1-related condition. Last evaluated: 2026-07-16. Review status: criteria provided, single submitter. Criteria: ACMG Guidelines, 2015. Collection method: clinical testing. Allele origin: germline.
Comment: The DNAI1 c.389-1G>C variant is predicted to disrupt the AG splice acceptor site and interfere with normal splicing. This variant has been reported in an individual with severe bronchiectasis; however, no second variant in this gene was identified (Supplementary Table E5, Shoemark et al. 2022 PubMed ID: 35728977). This variant is reported in 0.24% of alleles in individuals of Ashkenazi Jewish descent in gnomAD. Variants that disrupt the AG acceptor site have been reported to be pathogenic for primary ciliary dyskinesia (Zariwala et al. 2006. PubMed ID: 16858015) and this variant has classifications ranging from benign to pathogenic in the ClinVar database (Variation ID: 454836). This variant may result in a small, in-frame insertion in an alternate transcript (NM_001281428). At this time, the clinical significance of this variant is uncertain due to the absence of conclusive functional and genetic evidence.

Labcorp Genetics (formerly Invitae), Labcorp
Classification: Benign for Primary ciliary dyskinesia. Last evaluated: 2026-01-20. Review status: criteria provided, single submitter. Criteria: Invitae Variant Classification Sherloc (09022015). Collection method: clinical testing. Allele origin: germline.

Variantyx, Inc.
Classification: Likely pathogenic for Kartagener syndrome. Last evaluated: 2025-05-06. Review status: criteria provided, single submitter. Criteria: Variantyx Assertion Criteria 2022. Collection method: clinical testing. Allele origin: germline. Inheritance: Autosomal recessive inheritance. Affected: yes.
Comment: This is a canonical splicing variant in the DNAI1 gene (OMIM: 604366). Pathogenic variants in this gene have been associated with autosomal recessive primary ciliary dyskinesia-1. Loss of function is a known disease mechanism for DNAI1 in this disorder (PMID: 16858015, 29363216). However, the functional consequence of this splicing variant cannot be predicted with certainty (PVS1_Moderate). The clinical symptoms reported for this proband are highly specific for autosomal recessive primary ciliary dyskinesia-1, which has a limited genetic etiology (PMID: 11231901) (PP4). Based on the current evidence, this variant is classified as likely pathogenic for autosomal recessive primary ciliary dyskinesia-1.

Revvity Omics, Revvity
Classification: Likely pathogenic for Kartagener syndrome. Last evaluated: 2024-11-21. Review status: criteria provided, single submitter. Criteria: ACMG Guidelines, 2015. Collection method: clinical testing. Allele origin: germline.

3billion
Classification: Pathogenic for Kartagener syndrome. Last evaluated: 2024-11-19. Review status: criteria provided, single submitter. Criteria: ACMG Guidelines, 2015. Collection method: clinical testing. Allele origin: germline. Affected: yes.
Comment: The variant is observed at an extremely low frequency in the gnomAD v4.1.0 dataset (total allele frequency: 0.035%). Predicted Consequence/Location: Canonical splice site: predicted to alter splicing and result in a loss or disruption of normal protein function. Multiple pathogenic loss-of-function variants are reported downstream of the variant. In silico tools predict the variant to alter splicing and produce an abnormal transcript [SpliceAI: 0.68 (spliceogenicity >=0.2, non-spliceogenicity <0.1)]. The variant has been reported to be associated with DNAI1-related disorder (ClinVar ID: VCV000454836 /PMID: 28152038). Therefore, this variant is classified as Pathogenic according to the recommendation of ACMG/AMP guideline.

Fulgent Genetics
Classification: Likely pathogenic for Kartagener syndrome. Last evaluated: 2024-06-19. Review status: criteria provided, single submitter. Criteria: ACMG Guidelines, 2015. Collection method: clinical testing. Allele origin: germline.

Ambry Genetics
Classification: Uncertain significance for Primary ciliary dyskinesia. Last evaluated: 2024-04-04. Review status: criteria provided, single submitter. Criteria: Ambry Variant Classification Scheme 2023. Collection method: clinical testing. Allele origin: germline.
Comment: The c.389-1G>C intronic variant results from a G to C substitution one nucleotide upstream from coding exon 6 of the DNAI1 gene. This nucleotide position is highly conserved in available vertebrate species. In silico splice site analysis predicts that this alteration may weaken the native splice acceptor site and will result in the creation or strengthening of a novel splice acceptor site. Alterations that disrupt the canonical splice site are expected to cause aberrant splicing, resulting in an abnormal protein or a transcript that is subject to nonsense-mediated mRNA decay; however, direct evidence is unavailable. Based on data from gnomAD, the frequency for this variant is above the maximum credible frequency for a disease-causing variant in this gene based on internally established thresholds (Karczewski et al. Nature. 2020 May;581(7809):434-443; Whiffin et al. Genet Med. 2017 10;19:1151-1158). Based on the available evidence, the clinical significance of this variant remains unclear.

Blueprint Genetics
Classification: Uncertain significance. Last evaluated: 2024-03-18. Review status: criteria provided, single submitter. Criteria: ACMG Guidelines, 2015. Collection method: clinical testing. Allele origin: germline.

Department of Pathology and Laboratory Medicine, Sinai Health System
Classification: Pathogenic for Kartagener syndrome. Last evaluated: 2022-09-15. Review status: criteria provided, single submitter. Criteria: ACMG Guidelines, 2015. Collection method: research. Allele origin: germline.

Johns Hopkins Genomics, Johns Hopkins University
Classification: Uncertain significance for Kartagener syndrome. Last evaluated: 2022-02-17. Review status: criteria provided, single submitter. Criteria: ACMG Guidelines, 2015. Collection method: clinical testing. Allele origin: germline.

Natera, Inc.
Classification: Likely pathogenic for Primary ciliary dyskinesia. Last evaluated: 2020-07-17. Review status: no assertion criteria provided. Collection method: clinical testing. Allele origin: germline. Not counted in ClinVar's aggregate classification.

Counsyl
Classification: Likely pathogenic for Kartagener syndrome. Last evaluated: 2017-05-23. Review status: no assertion criteria provided. Collection method: clinical testing. Allele origin: unknown. Not counted in ClinVar's aggregate classification.

Literature cited by the submitters: PubMed 16858015 (cited by Variantyx, Inc.); PubMed 29363216 (cited by Variantyx, Inc.); PubMed 28152038 (cited by 3billion and Johns Hopkins Genomics, Johns Hopkins University); PubMed 31589614 (cited by Johns Hopkins Genomics, Johns Hopkins University); PubMed 33032373 (cited by Johns Hopkins Genomics, Johns Hopkins University).

NM_012144.4(DNAI1):c.389-1G>C

Gene: DNAI1 (dynein axonemal intermediate chain 1; plus strand). Cytogenetic location: 9p13.3.
Variant type: single nucleotide variant.
Coding change: c.389-1G>C on transcript NM_012144.4 (MANE Select); the canonical splice acceptor site of the intron before coding-DNA position 389, G replaced by C.
Molecular consequence: splice acceptor variant. On other transcripts: missense variant (1).
Genome position (GRCh38, 1-based): chr9:34,490,011, G>C. VCF-style: chr9-34490011-G-C. GRCh37 (hg19) VCF-style: chr9-34490009-G-C.
Other names: c.400G>C, p.Gly134Arg (NM_001281428.2); short protein forms G134R.
Identifiers: ClinVar variation 454836 (VCV000454836.41), dbSNP rs200488444, ClinGen allele CA5034046.
Genomic context (GRCh38, chr9:34,490,011, plus strand): 5'-CCCTGCCACAGATTGGGAGAGCAGGCTTAGACTTTGAACTCATTGGCAGTATCCTACCAA[G>C]GTTCTCAGGAGTCTGTCAAGGTGATTTCAGAAACAGGAAACCTCGAAGAAGACGAAGAGC-3'